The following is an entry in ClinVar:

ClinVar aggregate classification (germline): Uncertain significance (1 of 4 stars; one submission).

Conditions:
Hereditary cancer-predisposing syndrome. Also called: Hereditary neoplastic syndrome; Neoplastic Syndromes, Hereditary; Tumor predisposition; Hereditary Cancer Syndrome. Identifiers: Orphanet 140162, MedGen C0027672, MeSH D009386, MONDO:0015356.

Submission:

Ambry Genetics
Classification: Uncertain significance for Hereditary cancer-predisposing syndrome. Last evaluated: 2025-08-27. Review status: criteria provided, single submitter. Criteria: Ambry Variant Classification Scheme 2023. Collection method: clinical testing. Allele origin: germline.
Comment: The p.K108N variant (also known as c.324A>T), located in coding exon 3 of the MUTYH gene, results from an A to T substitution at nucleotide position 324. The lysine at codon 108 is replaced by asparagine, an amino acid with similar properties. This amino acid position is conserved. In addition, the in silico prediction for this alteration is inconclusive. Based on the available evidence, the clinical significance of this variant remains unclear.

NM_001048174.2(MUTYH):c.240A>T (p.Lys80Asn)

Gene: MUTYH (mutY DNA glycosylase; minus strand). Cytogenetic location: 1p34.1.
Variant type: single nucleotide variant.
Coding change: c.240A>T on transcript NM_001048174.2 (MANE Select); coding-DNA position 240, A replaced by T.
Protein change: p.Lys80Asn; replaces lysine 80 with asparagine.
Molecular consequence: missense variant. On other transcripts: 5 prime UTR variant (6), non-coding transcript variant (7).
Genome position (GRCh38, 1-based): chr1:45,333,437, T>A on the plus strand (A>T on the coding strand, the complement: MUTYH is on the minus strand). VCF-style: chr1-45333437-T-A. GRCh37 (hg19) VCF-style: chr1-45799109-T-A.
Other names: c.240A>T, p.Lys80Asn (NM_001048171.2, NM_001048173.2, NM_001293195.2 and 6 more transcripts); c.243A>T, p.Lys81Asn (NM_001048172.2, NM_001407071.1, NM_001407078.1 and 2 more transcripts); c.324A>T, p.Lys108Asn (NM_001128425.2); c.285A>T, p.Lys95Asn (NM_001293190.2); c.273A>T, p.Lys91Asn (NM_001293191.2, NM_001407077.1); c.-37A>T (NM_001293192.2, NM_001293196.2, NM_001407091.1); c.-32A>T (NM_001350650.2, NM_001350651.2, NM_001407082.1); c.315A>T, p.Lys105Asn (NM_001407069.1, NM_012222.3); and 3 more; short protein forms K81N, K80N, K87N, K94N, K95N, K108N, K52N, K105N.
Identifiers: ClinVar variation 4113603 (VCV004113603.1).
Genomic context (GRCh38, chr1:45,333,437, plus strand): 5'-CCTCCCACCCACTGTCCCTGCTCCTCGCCTGCCTACCCGTCTTCTCCATGGTAGGTCCCG[T>A]TTCTCTTGGTCGTACCAGCTTAGCAGGCTCCCTCGGAAGGCTGTGACTTCAGCTACGTCT-3'
Protein context (NP_001041639.1, residues 70-90): GSLLSWYDQE[Lys80Asn]RDLPWRRRAE